The following is an entry in ClinVar:

NM_000057.4(BLM):c.1131G>C (p.Glu377Asp)

Gene: BLM (BLM RecQ like helicase; plus strand). Cytogenetic location: 15q26.1.
Variant type: single nucleotide variant.
Coding change: c.1131G>C on transcript NM_000057.4 (MANE Select); coding-DNA position 1131, G replaced by C.
Protein change: p.Glu377Asp; replaces glutamic acid 377 with aspartic acid.
Molecular consequence: missense variant.
Genome position (GRCh38, 1-based): chr15:90,760,190, G>C. VCF-style: chr15-90760190-G-C. GRCh37 (hg19) VCF-style: chr15-91303420-G-C.
Other names: c.1131G>C, p.Glu377Asp (NM_001287246.2, NM_001287247.2); c.6G>C, p.Glu2Asp (NM_001287248.2); c.1131G>C (NM_000057.2); short protein forms E2D, E377D.
Identifiers: ClinVar variation 1022490 (VCV001022490.10), dbSNP rs764842587, ClinGen allele CA393842377.

ClinVar aggregate classification (germline): Conflicting classifications of pathogenicity. Review status: criteria provided, conflicting classifications (1 of 4 stars). 2 submissions from 2 submitters: Uncertain significance (1); Likely benign (1). Last evaluated 2025-02-14.

Conditions:
Hereditary cancer-predisposing syndrome. Also called: Hereditary Cancer Syndrome; Neoplastic Syndromes, Hereditary; Tumor predisposition; Hereditary neoplastic syndrome. Identifiers: Orphanet 140162, MedGen C0027672, MeSH D009386, MONDO:0015356.
Bloom syndrome (BLM). Also called: Bloom-Torre-Machacek syndrome. Identifiers: Orphanet 125, MedGen C0005859, MONDO:0008876, OMIM 210900.

Submissions (2):

Ambry Genetics
Classification: Likely benign for Hereditary cancer-predisposing syndrome. Last evaluated: 2025-02-14. Review status: criteria provided, single submitter. Criteria: Ambry Variant Classification Scheme 2023. Collection method: clinical testing. Allele origin: germline.

Labcorp Genetics (formerly Invitae), Labcorp
Classification: Uncertain significance for Bloom syndrome. Last evaluated: 2022-02-20. Review status: criteria provided, single submitter. Criteria: Invitae Variant Classification Sherloc (09022015). Collection method: clinical testing. Allele origin: germline.
Comment: In summary, the available evidence is currently insufficient to determine the role of this variant in disease. Therefore, it has been classified as a Variant of Uncertain Significance. Algorithms developed to predict the effect of missense changes on protein structure and function output the following: SIFT: "Tolerated"; PolyPhen-2: "Benign"; Align-GVGD: "Class C0". The aspartic acid amino acid residue is found in multiple mammalian species, which suggests that this missense change does not adversely affect protein function. ClinVar contains an entry for this variant (Variation ID: 1022490). This variant has not been reported in the literature in individuals affected with BLM-related conditions. This variant is not present in population databases (gnomAD no frequency). This sequence change replaces glutamic acid, which is acidic and polar, with aspartic acid, which is acidic and polar, at codon 377 of the BLM protein (p.Glu377Asp).